The following is an entry in ClinVar:

ClinVar aggregate classification (germline): Likely benign (1 of 4 stars; one submission).

Conditions:
ISL1-related disorder. Also called: ISL1-related condition.

Submission:

PreventionGenetics, part of Exact Sciences
Classification: Likely benign for ISL1-related condition. Last evaluated: 2024-12-08. Review status: criteria provided, single submitter. Criteria: ACMG Guidelines, 2015. Collection method: clinical testing. Allele origin: germline.
Comment: This variant is classified as likely benign based on ACMG/AMP sequence variant interpretation guidelines (Richards et al. 2015 PMID: 25741868, with internal and published modifications).

NM_002202.3(ISL1):c.603C>A (p.Ala201=)

Gene: ISL1 (ISL LIM homeobox 1; plus strand). Cytogenetic location: 5q11.1.
Variant type: single nucleotide variant.
Coding change: c.603C>A on transcript NM_002202.3 (MANE Select); coding-DNA position 603, C replaced by A.
Protein change: p.Ala201=; no amino-acid change (alanine 201 retained).
Molecular consequence: synonymous variant.
Genome position (GRCh38, 1-based): chr5:51,389,770, C>A. VCF-style: chr5-51389770-C-A. GRCh37 (hg19) VCF-style: chr5-50685604-C-A.
Identifiers: ClinVar variation 4998869 (VCV004998869.1).